The following is an entry in ClinVar:

NM_032588.4(TRIM63):c.420C>A (p.Pro140=)

Gene: TRIM63 (tripartite motif containing 63; minus strand). Cytogenetic location: 1p36.11.
Variant type: single nucleotide variant.
Coding change: c.420C>A on transcript NM_032588.4 (MANE Select); coding-DNA position 420, C replaced by A.
Protein change: p.Pro140=; no amino-acid change (proline 140 retained).
Molecular consequence: synonymous variant.
Genome position (GRCh38, 1-based): chr1:26,061,247, G>T on the plus strand (C>A on the coding strand, the complement: TRIM63 is on the minus strand). VCF-style: chr1-26061247-G-T. GRCh37 (hg19) VCF-style: chr1-26387738-G-T.
Identifiers: ClinVar variation 3030012 (VCV003030012.2), dbSNP rs2522760749, ClinGen allele CA416759890.

ClinVar aggregate classification (germline): Likely benign (0 of 4 stars; one submission).

Conditions:
TRIM63-related disorder. Also called: TRIM63-related condition.

Submission:

PreventionGenetics, part of Exact Sciences
Classification: Likely benign for TRIM63-related condition. Last evaluated: 2020-12-24. Review status: no assertion criteria provided. Collection method: clinical testing. Allele origin: germline.
Comment: This variant is classified as likely benign based on ACMG/AMP sequence variant interpretation guidelines (Richards et al. 2015 PMID: 25741868, with internal and published modifications).